The following is an entry in ClinVar:

ClinVar aggregate classification (germline): Uncertain significance (1 of 4 stars; one submission).

gnomAD v4.1: 2 of 1,612,522 alleles (0.00012%); highest among the groups gnomAD compares: African/African-American, 0.0013%; no homozygotes.

Submission:

Labcorp Genetics (formerly Invitae), Labcorp
Classification: Uncertain significance. Last evaluated: 2025-08-06. Review status: criteria provided, single submitter. Criteria: Invitae Variant Classification Sherloc (09022015). Collection method: clinical testing. Allele origin: germline.
Comment: This sequence change replaces threonine, which is neutral and polar, with alanine, which is neutral and non-polar, at codon 583 of the PDE6B protein (p.Thr583Ala). This variant is not present in population databases (gnomAD no frequency). This variant has not been reported in the literature in individuals affected with PDE6B-related conditions. Invitae Evidence Modeling of protein sequence and biophysical properties (such as structural, functional, and spatial information, amino acid conservation, physicochemical variation, residue mobility, and thermodynamic stability) has been performed for this missense variant. However, the output from this modeling did not meet the statistical confidence thresholds required to predict the impact of this variant on PDE6B protein function. In summary, the available evidence is currently insufficient to determine the role of this variant in disease. Therefore, it has been classified as a Variant of Uncertain Significance.

NM_000283.4(PDE6B):c.1747A>G (p.Thr583Ala)

Gene: PDE6B (phosphodiesterase 6B; plus strand). Cytogenetic location: 4p16.3.
Variant type: single nucleotide variant.
Coding change: c.1747A>G on transcript NM_000283.4 (MANE Select); coding-DNA position 1747, A replaced by G.
Protein change: p.Thr583Ala; replaces threonine 583 with alanine.
Molecular consequence: missense variant.
Genome position (GRCh38, 1-based): chr4:662,533, A>G. VCF-style: chr4-662533-A-G. GRCh37 (hg19) VCF-style: chr4-656322-A-G.
Other names: c.1747A>G, p.Thr583Ala (NM_001145291.2, NM_001440547.1, NM_001440548.1); c.910A>G, p.Thr304Ala (NM_001145292.2, NM_001350154.3, NM_001379246.1 and 1 more transcripts); c.592A>G, p.Thr198Ala (NM_001350155.3); short protein forms T304A, T583A, T198A.
Identifiers: ClinVar variation 4695477 (VCV004695477.1).